The following is an entry in ClinVar:

NM_001368397.1(FRMPD4):c.1615G>A (p.Glu539Lys)

Gene: FRMPD4 (FERM and PDZ domain containing 4; plus strand). Cytogenetic location: Xp22.2.
Variant type: single nucleotide variant.
Coding change: c.1615G>A on transcript NM_001368397.1 (MANE Select); coding-DNA position 1615, G replaced by A.
Protein change: p.Glu539Lys; replaces glutamic acid 539 with lysine.
Molecular consequence: missense variant.
Genome position (GRCh38, 1-based): chrX:12,716,074, G>A. VCF-style: chrX-12716074-G-A. GRCh37 (hg19) VCF-style: chrX-12734193-G-A.
Other names: c.1726G>A, p.Glu576Lys (NM_001368395.3, NM_001368398.3); c.1621G>A, p.Glu541Lys (NM_001368396.3); c.1606G>A, p.Glu536Lys (NM_001368399.3); c.1495G>A, p.Glu499Lys (NM_001368400.3); c.1591G>A, p.Glu531Lys (NM_001368401.1, NM_001368402.3); c.1615G>A, p.Glu539Lys (NM_014728.3); short protein forms E576K, E499K, E539K, E531K, E536K, E541K.
Identifiers: ClinVar variation 2129869 (VCV002129869.6), dbSNP rs200947928, ClinGen allele CA10349345.
Genomic context (GRCh38, chrX:12,716,074, plus strand): 5'-CCACCCAAAACCAGACAGTACAGTAATGTGTCTTTGCGTGATTCTTTCTCTTTAGGACCT[G>A]AAAACAAGGGGAAGCATAACCTCCTTGGCCCAGATTGGAACTGTATACCCCAAATGACCA-3'
Protein context (NP_001355326.1, residues 529-549): KNTATQETGP[Glu539Lys]NKGKHNLLGP

ClinVar aggregate classification (germline): Conflicting classifications of pathogenicity. Review status: criteria provided, conflicting classifications (1 of 4 stars). 3 submissions from 3 submitters: Uncertain significance (1); Benign (1); Likely benign (1). Last evaluated 2025-02-16.

Allele frequency attached by ClinVar (database versions not stated): TOPMed 0.00001; gnomAD exomes 0.00002; gnomAD 0.00004; ExAC 0.00005; 1000 Genomes Project 30x 0.00021; 1000 Genomes Project 0.00026.
gnomAD v4.1: 28 of 1,067,667 alleles (0.0026%); highest among the groups gnomAD compares: Non-Finnish European, 0.003%; no homozygotes.

Submissions (3):

Laboratory of Genetics, Children's Clinical University Hospital Latvia
Classification: Benign. Last evaluated: 2025-02-16. Review status: criteria provided, single submitter. Criteria: ACMG Guidelines, 2015. Collection method: clinical testing. Allele origin: germline. Affected: yes.

Blueprint Genetics
Classification: Likely benign. Last evaluated: 2024-05-24. Review status: criteria provided, single submitter. Criteria: ACMG Guidelines, 2015. Collection method: clinical testing. Allele origin: germline.

Labcorp Genetics (formerly Invitae), Labcorp
Classification: Uncertain significance. Last evaluated: 2022-05-19. Review status: criteria provided, single submitter. Criteria: Invitae Variant Classification Sherloc (09022015). Collection method: clinical testing. Allele origin: germline.
Comment: In summary, the available evidence is currently insufficient to determine the role of this variant in disease. Therefore, it has been classified as a Variant of Uncertain Significance. Algorithms developed to predict the effect of missense changes on protein structure and function (SIFT, PolyPhen-2, Align-GVGD) all suggest that this variant is likely to be tolerated. This variant has not been reported in the literature in individuals affected with FRMPD4-related conditions. This variant is present in population databases (rs200947928, gnomAD 0.009%), including at least one homozygous and/or hemizygous individual. This sequence change replaces glutamic acid, which is acidic and polar, with lysine, which is basic and polar, at codon 539 of the FRMPD4 protein (p.Glu539Lys).